The following is an entry in ClinVar:

ClinVar aggregate classification (germline): Pathogenic. Review status: reviewed by expert panel (3 of 4 stars). 7 submissions from 7 submitters: Pathogenic (1). 6 of the submissions do not count toward it. Last evaluated 2024-03-05.

Conditions:
Glycogen storage disease, type II (IOPD). Also called: POMPE DISEASE, INFANTILE-ONSET; GLYCOGEN STORAGE DISEASE II, INFANTILE-ONSET; ACID ALPHA-GLUCOSIDASE DEFICIENCY, INFANTILE-ONSET; GAA DEFICIENCY, INFANTILE-ONSET; ACID MALTASE DEFICIENCY, INFANTILE-ONSET; Pompe Disease. Identifiers: Orphanet 365, MedGen C0017921, MONDO:0009290, OMIM 232300.

gnomAD v4.1: 2 of 1,600,208 alleles (0.00012%); highest among the groups gnomAD compares: African/African-American, 0.0013%; no homozygotes.

Submissions (7):

ClinGen Lysosomal Storage Disorder Variant Curation Expert Panel
Classification: Pathogenic for Glycogen storage disease, type II. Last evaluated: 2024-03-05. Review status: reviewed by expert panel. Criteria: clingen_lsd_acmg_specifications_v2-1. Collection method: curation. Allele origin: germline. Inheritance: Autosomal recessive inheritance.
Comment: The NM_000152.5:c.2105G>T variant in GAA is a missense variant predicted to cause substitution of arginine by leucine at amino acid 702 (p.Arg702Leu). It has been reported in at least two unrelated patients with infantile-onset Pompe disease with documented GAA deficiency and receiving enzyme replacement therapy, and in one patient identified via newborn screening with deficient confirmatory enzyme in blood and clinical symptoms (Clinical diagnostic laboratory) described has having late-onset Pompe disease, meeting criteria for PP4_moderate (PMID: 26497565, 27344650, 26167453). Of those individuals, a a proband and full sibling were compound heterozygous for the variant and variant that has been classified as pathogenic by the ClinGen LD VCEP, c.2512C>T (p.Gln838Ter) (ClinVar Variation ID: Variation ID: 92479, SCV001371718.1), confirmed in trans by parental testing (PMID: 26167453) (1 point). Another patient was compound heterozygous for the variant and variant classified as pathogenic by the ClinGen LD VCEP, c.1798C>T (p.Arg600Cys) (Variation ID: 640911; SCV002032136.1), phase unknown (PMID: 26497565, 27344650). The variant has also been reported in trans with a pathogenic variant (c.-32-13T>G; ClinVar Variation ID: 4027) in one individual identified on newborn screening with deficient confirmatory GAA and clinical symptoms with deficient confirmatory GAA in DBS (Clinical diagnostic laboratory) (PM3_Strong). It has also been reported in one individual with a positive newborn screen for Pompe disease and deficient confirmatory GAA activity, but no reported phenotype (PMID: 33202836). It is absent from large population databases (gnomAD v2.1.1.) meeting PM2_Supporting. Expression of the variant in COS-7 and HEK293T cells resulted in 0.4% GAA activity in cells and 1.3% in medium and evidence of abnormal GAA synthesis and processing – leading the variant to be classified as Class B (“potentially less severe”), indicating that this variant may impact protein function (PMID:22644586), meeting PS3_moderate. The computational predictor REVEL gives a score of 0.972 which is above the threshold of 0.7, evidence that correlates with impact to GAA function (PP3). There is a ClinVar entry for this variant (Variation ID: 92472). In summary, this variant meets the criteria to be classified as pathogenic for Pompe disease based on the GAA-specific ACMG/AMP criteria applied, as specified by the ClinGen Lysosomal Diseases Variant Curation Expert panel (Specifications Version 2.0): (PM3_strong, PP4_moderate, PS3_moderate, PM2_supporting, PP3). (Classification approved by the ClinGen Lysosomal Diseases Variant Curation Expert Panel on March 5, 2024).

Genomenon, Inc
Classification: Likely pathogenic for Glycogen storage disease, type II. Last evaluated: 2026-07-01. Review status: criteria provided, single submitter. Criteria: Genomenon Sequence Variant Interpretation Standards - Updated. Collection method: curation. Allele origin: germline. Affected: yes. Not counted in ClinVar's aggregate classification.
Comment: GAA p.Arg702Leu (c.2105G>T) is a missense variant that changes the amino acid at codon 702 from Arginine to Leucine. This variant has been observed in at least one proband with a GAA-related disorder in the compound heterozygous and/or homozygous state (PMID:33202836;26497565;26167453). At least one functional study has demonstrated a substantial alteration in protein function relative to the wild-type (PMID:22644586). It is absent or not present at a significant frequency in gnomAD. In silico models predict that this variant is possibly or probably damaging. In conclusion, we classify GAA p.Arg702Leu (c.2105G>T) as a likely pathogenic variant.

Labcorp Genetics (formerly Invitae), Labcorp
Classification: Pathogenic for Glycogen storage disease, type II. Last evaluated: 2025-11-07. Review status: criteria provided, single submitter. Criteria: Invitae Variant Classification Sherloc (09022015). Collection method: clinical testing. Allele origin: germline. Not counted in ClinVar's aggregate classification.
Comment: This sequence change replaces arginine, which is basic and polar, with leucine, which is neutral and non-polar, at codon 702 of the GAA protein (p.Arg702Leu). This variant is not present in population databases (gnomAD no frequency). This missense change has been observed in individual(s) with infantile onset Pompe disease (PMID: 22252923, 27344650, 29122469). ClinVar contains an entry for this variant (Variation ID: 92472). Invitae Evidence Modeling of protein sequence and biophysical properties (such as structural, functional, and spatial information, amino acid conservation, physicochemical variation, residue mobility, and thermodynamic stability) indicates that this missense variant is expected to disrupt GAA protein function with a positive predictive value of 95%. This variant disrupts the p.Arg702 amino acid residue in GAA. Other variant(s) that disrupt this residue have been determined to be pathogenic (PMID: 18211760, 18425781, 26310554). This suggests that this residue is clinically significant, and that variants that disrupt this residue are likely to be disease-causing. For these reasons, this variant has been classified as Pathogenic.

Baylor Genetics
Classification: Pathogenic for Glycogen storage disease, type II. Last evaluated: 2022-04-30. Review status: criteria provided, single submitter. Criteria: ACMG Guidelines, 2015. Collection method: clinical testing. Allele origin: unknown. Not counted in ClinVar's aggregate classification.

Women's Health and Genetics/Laboratory Corporation of America, LabCorp
Classification: Pathogenic for Glycogen storage disease, type II. Last evaluated: 2020-01-30. Review status: criteria provided, single submitter. Criteria: LabCorp Variant Classification Summary - May 2015. Collection method: clinical testing. Allele origin: germline. Not counted in ClinVar's aggregate classification.
Comment: Variant summary: GAA c.2105G>T (p.Arg702Leu) results in a non-conservative amino acid change in the encoded protein sequence. Five of five in-silico tools predict a damaging effect of the variant on protein function. The variant was absent in 222484 control chromosomes (gnomAD). c.2105G>T has been reported in the literature in individuals affected with Glycogen Storage Disease, Type 2 (Pompe Disease; examples Bali_2012, Stenger_2015, Broomfield_2016, Reuser_2019). These data indicate that the variant is likely to be associated with disease. At least one publication reports experimental evidence evaluating an impact on protein function. The most pronounced variant effect results in <10% of normal enzyme activity in vitro (Kroos_2012). One clinical diagnostic laboratory has submitted clinical-significance assessments for this variant to ClinVar after 2014 and cited the variant as pathogenic. Based on the evidence outlined above, the variant was classified as pathogenic.

Eurofins Ntd Llc (ga)
Classification: Likely pathogenic. Last evaluated: 2013-06-19. Review status: criteria provided, single submitter. Criteria: EGL Classification Definitions. Collection method: clinical testing. Allele origin: germline. Observed: 2 variant alleles, 2 heterozygotes. Not counted in ClinVar's aggregate classification.

Juno Genomics, Hangzhou Juno Genomics, Inc
Classification: Pathogenic for Glycogen storage disease, type II. Review status: criteria provided, single submitter. Criteria: ACMG Guidelines, 2015. Collection method: clinical testing. Allele origin: germline. Affected: yes. Not counted in ClinVar's aggregate classification.
Comment: Absent from controls (or at extremely low frequency if recessive) in Genome Aggregation Database, Exome Sequencing Project, 1000 Genomes Project, or Exome Aggregation Consortium.;For recessive disorders, detected in trans with a pathogenic variant.;Patient's phenotype or family history is highly specific for a disease with a single genetic etiology.;Well-established in vitro or in vivo functional studies supportive of a damaging effect on the gene or gene product.;Novel missense change at an amino acid residue where a different missense change determined to be pathogenic has been seen before.

Literature cited by the submitters: PubMed 33202836 (cited by Genomenon, Inc); PubMed 26497565 (cited by Genomenon, Inc and Women's Health and Genetics/Laboratory Corporation of America, LabCorp); PubMed 26167453 (cited by Genomenon, Inc and Women's Health and Genetics/Laboratory Corporation of America, LabCorp); PubMed 22644586 (cited by Genomenon, Inc and Women's Health and Genetics/Laboratory Corporation of America, LabCorp); PubMed 22252923 (cited by Labcorp Genetics (formerly Invitae), Labcorp and Women's Health and Genetics/Laboratory Corporation of America, LabCorp); PubMed 27344650 (cited by Labcorp Genetics (formerly Invitae), Labcorp and Women's Health and Genetics/Laboratory Corporation of America, LabCorp); PubMed 29122469 (cited by Labcorp Genetics (formerly Invitae), Labcorp and Women's Health and Genetics/Laboratory Corporation of America, LabCorp); PubMed 18211760 (cited by Labcorp Genetics (formerly Invitae), Labcorp); PubMed 18425781 (cited by Labcorp Genetics (formerly Invitae), Labcorp); PubMed 26310554 (cited by Labcorp Genetics (formerly Invitae), Labcorp); PubMed 19343043 (cited by Women's Health and Genetics/Laboratory Corporation of America, LabCorp); PubMed 31342611 (cited by Women's Health and Genetics/Laboratory Corporation of America, LabCorp).

NM_000152.5(GAA):c.2105G>T (p.Arg702Leu)

Gene: GAA (alpha glucosidase; plus strand). Cytogenetic location: 17q25.3.
Variant type: single nucleotide variant.
Coding change: c.2105G>T on transcript NM_000152.5 (MANE Select); coding-DNA position 2105, G replaced by T.
Protein change: p.Arg702Leu; replaces arginine 702 with leucine.
Molecular consequence: missense variant.
Genome position (GRCh38, 1-based): chr17:80,113,282, G>T. VCF-style: chr17-80113282-G-T. GRCh37 (hg19) VCF-style: chr17-78087081-G-T.
Other names: NM_000152.5(GAA):c.2105G>T; c.2105G>T, p.Arg702Leu (NM_001079803.3, NM_001079804.3, LRG_673t1); short protein forms R702L.
Identifiers: ClinVar variation 92472 (VCV000092472.22), dbSNP rs398123172, ClinGen allele CA220396.